The following is an entry in ClinVar:

ClinVar aggregate classification (germline): Uncertain significance. Review status: criteria provided, multiple submitters, no conflicts (2 of 4 stars). 2 submissions from 2 submitters: Uncertain significance (2). Last evaluated 2025-10-03.

Conditions:
Inborn genetic diseases. Identifiers: MedGen C0950123, MeSH D030342.

Allele frequency attached by ClinVar (database versions not stated): TOPMed 0.00007; ExAC 0.00008; gnomAD 0.00011; gnomAD exomes 0.00014.
gnomAD v4.1: 217 of 1,611,794 alleles (0.013%); highest among the groups gnomAD compares: Middle Eastern, 0.081%; no homozygotes.

Submissions (2):

Labcorp Genetics (formerly Invitae), Labcorp
Classification: Uncertain significance. Last evaluated: 2025-10-03. Review status: criteria provided, single submitter. Criteria: Invitae Variant Classification Sherloc (09022015). Collection method: clinical testing. Allele origin: germline.
Comment: This sequence change replaces arginine, which is basic and polar, with tryptophan, which is neutral and slightly polar, at codon 1416 of the COL27A1 protein (p.Arg1416Trp). This variant is present in population databases (rs777553808, gnomAD 0.01%). This variant has not been reported in the literature in individuals affected with COL27A1-related conditions. ClinVar contains an entry for this variant (Variation ID: 2137899). Invitae Evidence Modeling of protein sequence and biophysical properties (such as structural, functional, and spatial information, amino acid conservation, physicochemical variation, residue mobility, and thermodynamic stability) indicates that this missense variant is not expected to disrupt COL27A1 protein function with a negative predictive value of 80%. In summary, the available evidence is currently insufficient to determine the role of this variant in disease. Therefore, it has been classified as a Variant of Uncertain Significance.

Ambry Genetics
Classification: Uncertain significance for Inborn genetic diseases. Last evaluated: 2025-06-07. Review status: criteria provided, single submitter. Criteria: Ambry Variant Classification Scheme 2023. Collection method: clinical testing. Allele origin: germline.

NM_032888.4(COL27A1):c.4246C>T (p.Arg1416Trp)

Gene: COL27A1 (collagen type XXVII alpha 1 chain; plus strand). Cytogenetic location: 9q32.
Variant type: single nucleotide variant.
Coding change: c.4246C>T on transcript NM_032888.4 (MANE Select); coding-DNA position 4246, C replaced by T.
Protein change: p.Arg1416Trp; replaces arginine 1416 with tryptophan.
Molecular consequence: missense variant.
Genome position (GRCh38, 1-based): chr9:114,290,097, C>T. VCF-style: chr9-114290097-C-T. GRCh37 (hg19) VCF-style: chr9-117052377-C-T.
Other names: c.4246C>T (NM_032888.2); short protein forms R1416W.
Identifiers: ClinVar variation 2137899 (VCV002137899.5), dbSNP rs777553808, ClinGen allele CA5202874.
Genomic context (GRCh38, chr9:114,290,097, plus strand): 5'-ATGTGGCCCTTGATTTTTCAGGGACCAAAGGGAAAGCAAGGCAAGGCAGGGGCCCCAGGC[C>T]GGAGGGGGGTCCAGGTGAGTGACTACAGCTGCTGTTTCCAGCCAACCTCCCTGCCCGCCC-3'
Protein context (NP_116277.2, residues 1406-1426): GKQGKAGAPG[Arg1416Trp]RGVQGLQGLP